The following is an entry in ClinVar:

NM_020822.3(KCNT1):c.1401A>G (p.Ala467=)

Gene: KCNT1 (potassium sodium-activated channel subfamily T member 1; plus strand). Cytogenetic location: 9q34.3.
Variant type: single nucleotide variant.
Coding change: c.1401A>G on transcript NM_020822.3 (MANE Select); coding-DNA position 1401, A replaced by G.
Protein change: p.Ala467=; no amino-acid change (alanine 467 retained).
Molecular consequence: synonymous variant.
Genome position (GRCh38, 1-based): chr9:135,768,673, A>G. VCF-style: chr9-135768673-A-G. GRCh37 (hg19) VCF-style: chr9-138660519-A-G.
Other names: c.1266A>G, p.Ala422= (NM_001272003.2).
Identifiers: ClinVar variation 2931501 (VCV002931501.4), dbSNP rs1832501456, ClinGen allele CA467698278.
Genomic context (GRCh38, chr9:135,768,673, plus strand): 5'-GGACAATGGGGAGGCCTGCTTCATCCTCAGCAGCAGGAACGAGGTGGACCGCACGGCTGC[A>G]GTGAGTGAGGCTGAGGCCCTGCCCAGGCGGGAGGGGCACCGTGGGGCCGGGGAGCGGGGG-3'
Protein context (NP_065873.2, residues 457-477): SSRNEVDRTA[Ala467=]DHQTILRAWA

ClinVar aggregate classification (germline): Conflicting classifications of pathogenicity. Review status: criteria provided, conflicting classifications (1 of 4 stars). 2 submissions from 2 submitters: Uncertain significance (1); Likely benign (1). Last evaluated 2023-05-20.

Conditions:
Developmental and epileptic encephalopathy, 14 (DEE14). Also called: Early infantile epileptic encephalopathy 14. Identifiers: Orphanet 293181, MedGen C3554195, MONDO:0013989, OMIM 614959.
Autosomal dominant nocturnal frontal lobe epilepsy 5. Also called: Epilepsy, nocturnal frontal lobe, 5; CILIARY DYSKINESIA, PRIMARY, 28, WITHOUT SITUS INVERSUS; CILIARY DYSKINESIA, PRIMARY, 28, WITH SITUS INVERSUS; KCNT1-Related Epilepsy. Identifiers: Orphanet 98784, MedGen C3554306, MONDO:0014002, OMIM 615005.

Allele frequency attached by ClinVar (database versions not stated): gnomAD exomes below 0.00001; TOPMed below 0.00001; gnomAD 0.00001.
gnomAD v4.1: 2 of 1,550,052 alleles (0.00013%); highest among the groups gnomAD compares: Non-Finnish European, 0.00017%; no homozygotes.

Submissions (2):

Labcorp Genetics (formerly Invitae), Labcorp
Classification: Uncertain significance for Autosomal dominant nocturnal frontal lobe epilepsy 5; Developmental and epileptic encephalopathy, 14. Last evaluated: 2023-05-20. Review status: criteria provided, single submitter. Criteria: Invitae Variant Classification Sherloc (09022015). Collection method: clinical testing. Allele origin: germline.
Comment: This sequence change affects codon 467 of the KCNT1 mRNA. It is a 'silent' change, meaning that it does not change the encoded amino acid sequence of the KCNT1 protein. It affects a nucleotide within the consensus splice site. This variant is not present in population databases (gnomAD no frequency). This variant has not been reported in the literature in individuals affected with KCNT1-related conditions. Algorithms developed to predict the effect of sequence changes on RNA splicing suggest that this variant is not likely to affect RNA splicing. In summary, the available evidence is currently insufficient to determine the role of this variant in disease. Therefore, it has been classified as a Variant of Uncertain Significance.

Blueprint Genetics
Classification: Likely benign. Last evaluated: 2021-06-21. Review status: criteria provided, single submitter. Criteria: ACMG Guidelines, 2015. Collection method: clinical testing. Allele origin: germline.